The following is an entry in ClinVar:

NM_024602.6(HECTD3):c.987C>T (p.Asp329=)

Gene: HECTD3 (HECT domain E3 ubiquitin protein ligase 3; minus strand). Cytogenetic location: 1p34.1.
Variant type: single nucleotide variant.
Coding change: c.987C>T on transcript NM_024602.6 (MANE Select); coding-DNA position 987, C replaced by T.
Protein change: p.Asp329=; no amino-acid change (aspartic acid 329 retained).
Molecular consequence: synonymous variant.
Genome position (GRCh38, 1-based): chr1:45,009,371, G>A on the plus strand (C>T on the coding strand, the complement: HECTD3 is on the minus strand). VCF-style: chr1-45009371-G-A. GRCh37 (hg19) VCF-style: chr1-45475043-G-A.
Other names: NC_000001.10:g.45475043G>A.
Identifiers: ClinVar variation 2638785 (VCV002638785.25), dbSNP rs200033925, ClinGen allele CA824732.

ClinVar aggregate classification (germline): Likely benign (1 of 4 stars; one submission).

Allele frequency attached by ClinVar (database versions not stated): ESP Exome Variant Server 0.00008; ExAC 0.00012; gnomAD 0.00015; 1000 Genomes Project 0.00020; 1000 Genomes Project 30x 0.00031.
gnomAD v4.1: 176 of 1,609,724 alleles (0.011%); highest among the groups gnomAD compares: Admixed American, 0.018%; no homozygotes.

Submissions (4):

CeGaT Center for Human Genetics Tuebingen
Classification: Likely benign. Last evaluated: 2022-11-01. Review status: criteria provided, single submitter. Criteria: CeGaT Center For Human Genetics Tuebingen Variant Classification Criteria Version 2. Collection method: clinical testing. Allele origin: germline. Affected: yes. Observed: 1 variant allele.
Comment: HECTD3: BP4, BP7

Dr. Peter K. Rogan Lab, Western University
No classification provided (evidence only). Condition: Uterine corpus endometrial carcinoma. Review status: no classification provided. Collection method: in vitro. Allele origin: not applicable. Functional consequence: retained intron. Not counted in ClinVar's aggregate classification.

Dr. Peter K. Rogan Lab, Western University
No classification provided (evidence only). Condition: Cervical cancer. Review status: no classification provided. Collection method: in vitro. Allele origin: not applicable. Functional consequence: retained intron. Not counted in ClinVar's aggregate classification.

Dr. Peter K. Rogan Lab, Western University
No classification provided (evidence only). Condition: Ovarian cancer. Review status: no classification provided. Collection method: in vitro. Allele origin: not applicable. Functional consequence: retained intron. Not counted in ClinVar's aggregate classification.